The following is an entry in ClinVar:

NM_017934.7(PHIP):c.2001C>T (p.Thr667=)

Gene: PHIP (PHIP subunit of CUL4-Ring ligase complex; minus strand). Cytogenetic location: 6q14.1.
Variant type: single nucleotide variant.
Coding change: c.2001C>T on transcript NM_017934.7 (MANE Select); coding-DNA position 2001, C replaced by T.
Protein change: p.Thr667=; no amino-acid change (threonine 667 retained).
Molecular consequence: synonymous variant.
Genome position (GRCh38, 1-based): chr6:78,998,270, G>A on the plus strand (C>T on the coding strand, the complement: PHIP is on the minus strand). VCF-style: chr6-78998270-G-A. GRCh37 (hg19) VCF-style: chr6-79707987-G-A.
Identifiers: ClinVar variation 4985613 (VCV004985613.1).
Genomic context (GRCh38, chr6:78,998,270, plus strand): 5'-TTCAAATTTTTAAATATTTCACTTAAAATAGAATACCTGCTTACCTCTACTTAAACGGCT[G>A]GTATTACTGATAACTGCTTCACCAGAACGTCTCAGGTCTTGCTCCTGTTGTAGTCTTTGA-3'
Protein context (NP_060404.4, residues 657-677): RRSGEAVISN[Thr667=]SRLSRGSISS

ClinVar aggregate classification (germline): Likely benign (1 of 4 stars; one submission).

Conditions:
PHIP-related disorder. Also called: PHIP-related disorders; PHIP-related condition.

gnomAD v4.1: 39 of 1,610,232 alleles (0.0024%); highest among the groups gnomAD compares: Non-Finnish European, 0.0029%; no homozygotes.

Submission:

PreventionGenetics, part of Exact Sciences
Classification: Likely benign for PHIP-related condition. Last evaluated: 2025-02-27. Review status: criteria provided, single submitter. Criteria: ACMG Guidelines, 2015. Collection method: clinical testing. Allele origin: germline.
Comment: This variant is classified as likely benign based on ACMG/AMP sequence variant interpretation guidelines (Richards et al. 2015 PMID: 25741868, with internal and published modifications).